The following is an entry in ClinVar:

ClinVar aggregate classification (germline): Uncertain significance. Review status: criteria provided, multiple submitters, no conflicts (2 of 4 stars). 2 submissions from 2 submitters: Uncertain significance (2). Last evaluated 2023-10-04.

Conditions:
Contractures, pterygia, and spondylocarpotarsal fusion syndrome 1A (CPSFS1A). Also called: Contractures, pterygia, and variable skeletal fusions syndrome 1A; MULTIPLE PTERYGIUM SYNDROME, AUTOSOMAL DOMINANT; Distal arthrogryposis type 8. Identifiers: Orphanet 65743, MedGen C1867440, MONDO:0008338, OMIM 178110.

Allele frequency attached by ClinVar (database versions not stated): gnomAD 0.00001.
gnomAD v4.1: 4 of 1,613,264 alleles (0.00025%); highest among the groups gnomAD compares: East Asian, 0.0022%; no homozygotes.

Submissions (2):

Labcorp Genetics (formerly Invitae), Labcorp
Classification: Uncertain significance. Last evaluated: 2023-10-04. Review status: criteria provided, single submitter. Criteria: Invitae Variant Classification Sherloc (09022015). Collection method: clinical testing. Allele origin: germline.
Comment: This sequence change replaces arginine, which is basic and polar, with cysteine, which is neutral and slightly polar, at codon 244 of the MYH3 protein (p.Arg244Cys). This variant is present in population databases (no rsID available, gnomAD 0.006%). This variant has not been reported in the literature in individuals affected with MYH3-related conditions. ClinVar contains an entry for this variant (Variation ID: 2572550). Advanced modeling of protein sequence and biophysical properties (such as structural, functional, and spatial information, amino acid conservation, physicochemical variation, residue mobility, and thermodynamic stability) has been performed at Invitae for this missense variant, however the output from this modeling did not meet the statistical confidence thresholds required to predict the impact of this variant on MYH3 protein function. In summary, the available evidence is currently insufficient to determine the role of this variant in disease. Therefore, it has been classified as a Variant of Uncertain Significance.

3billion
Classification: Uncertain significance for Contractures, pterygia, and spondylocarpotarsal fusion syndrome 1A. Review status: criteria provided, single submitter. Criteria: ACMG Guidelines, 2015. Collection method: clinical testing. Allele origin: unknown. Affected: yes. Observed: 1 heterozygote.
Comment: The variant is observed at an extremely low frequency in the gnomAD v2.1.1 dataset (total allele frequency: <0.001%). In silico tool predictions suggest damaging effect of the variant on gene or gene product (REVEL: 0.89; 3Cnet: 0.93). This variant is classified as Uncertain significance according to the recommendation of ACMG/AMP guideline.

NM_002470.4(MYH3):c.730C>T (p.Arg244Cys)

Gene: MYH3 (myosin heavy chain 3; minus strand). Cytogenetic location: 17p13.1.
Variant type: single nucleotide variant.
Coding change: c.730C>T on transcript NM_002470.4 (MANE Select); coding-DNA position 730, C replaced by T.
Protein change: p.Arg244Cys; replaces arginine 244 with cysteine.
Molecular consequence: missense variant.
Genome position (GRCh38, 1-based): chr17:10,648,562, G>A on the plus strand (C>T on the coding strand, the complement: MYH3 is on the minus strand). VCF-style: chr17-10648562-G-A. GRCh37 (hg19) VCF-style: chr17-10551879-G-A.
Other names: short protein forms R244C.
Identifiers: ClinVar variation 2572550 (VCV002572550.4), dbSNP rs775761222, ClinGen allele CA398109501.